The following is an entry in ClinVar:

ClinVar aggregate classification (germline): Pathogenic. Review status: reviewed by expert panel (3 of 4 stars). 19 submissions from 19 submitters: Pathogenic (1). 18 of the submissions do not count toward it. Last evaluated 2016-09-08.

Conditions:
BRCA1-related disorder. Also called: BRCA1-related condition.
Hereditary cancer-predisposing syndrome. Also called: Hereditary Cancer Syndrome; Tumor predisposition; Neoplastic Syndromes, Hereditary; Hereditary neoplastic syndrome. Identifiers: Orphanet 140162, MedGen C0027672, MeSH D009386, MONDO:0015356.
Hereditary breast ovarian cancer syndrome. Also called: Breast and ovarian cancer; BRCA1- and BRCA2-Associated Hereditary Breast and Ovarian Cancer; Hereditary breast and ovarian cancer; Hereditary breast and ovarian cancer syndrome (HBOC); Hereditary breast and ovarian cancer syndrome; Hereditary breast and/or ovarian cancer syndrome. Identifiers: Orphanet 145, MedGen C0677776, MeSH D061325, MONDO:0003582. Disease mechanism: loss of function.
Breast-ovarian cancer, familial, susceptibility to, 1 (BROVCA1). Also called: BRCA1 Hereditary Breast and Ovarian Cancer; OVARIAN CANCER, SUSCEPTIBILITY TO. Identifiers: Orphanet 145, MedGen C2676676, MONDO:0011450, OMIM 604370. Disease mechanism: loss of function.

Allele frequency attached by ClinVar (database versions not stated): gnomAD exomes below 0.00001.
gnomAD v4.1: 3 of 1,614,030 alleles (0.00019%); highest among the groups gnomAD compares: Non-Finnish European, 0.00025%; no homozygotes.

Submissions 1 to 9 of 20:

Evidence-based Network for the Interpretation of Germline Mutant Alleles (ENIGMA)
Classification: Pathogenic for Breast-ovarian cancer, familial, susceptibility to, 1. Last evaluated: 2016-09-08. Review status: reviewed by expert panel. Criteria: ENIGMA BRCA1/2 Classification Criteria (2015). Collection method: curation. Allele origin: germline.
Comment: Variant allele predicted to encode a truncated non-functional protein.

CeGaT Center for Human Genetics Tuebingen
Classification: Pathogenic. Last evaluated: 2025-12-01. Review status: criteria provided, single submitter. Criteria: CeGaT Center For Human Genetics Tuebingen Variant Classification Criteria Version 2. Collection method: clinical testing. Allele origin: germline. Affected: yes. Observed: 3 variant alleles. Not counted in ClinVar's aggregate classification.
Comment: BRCA1: PS4, PVS1:Strong, PM2

Institute of Immunology and Genetics Kaiserslautern
Classification: Pathogenic for Breast-ovarian cancer, familial, susceptibility to, 1. Last evaluated: 2025-07-30. Review status: criteria provided, single submitter. Criteria: ACMG Guidelines, 2015. Collection method: clinical testing. Allele origin: germline. Affected: yes. Not counted in ClinVar's aggregate classification.
Comment: ACMG Criteria: PVS1, PM2, PP3, PP5_M.

Ambry Genetics
Classification: Pathogenic for Hereditary cancer-predisposing syndrome. Last evaluated: 2025-05-29. Review status: criteria provided, single submitter. Criteria: Ambry Variant Classification Scheme 2023. Collection method: clinical testing. Allele origin: germline. Not counted in ClinVar's aggregate classification.
Comment: The p.E1694* pathogenic mutation (also known as c.5080G>T), located in coding exon 16 of the BRCA1 gene, results from a G to T substitution at nucleotide position 5080. This changes the amino acid from a glutamic acid to a stop codon within coding exon 16. This pathogenic mutation has been reported in numerous individuals with personal and/or family histories consistent with Hereditary Breast and Ovarian Cancer (HBOC) syndrome (Shattuck-Eidens D et al. JAMA, 1997 Oct;278:1242-50; Kang E et al. Breast Cancer Res. Treat., 2015 May;151:157-68; Eoh KJ et al. Cancer Res Treat, 2017 Sep; Park JS et al. Cancer Res Treat, 2017 Oct;49:1012-1021; Kwon BS et al. Cancer Res Treat 2019 Oct. Kim DH et al. J Gynecol Oncol, 2018 Nov;29(6):e90; Rebbeck TR et al. Hum. Mutat., 2018 05;39(5):593-620). This pathogenic mutation has also been reported in a double heterozygote state, in conjunction with a BRCA2 mutation (Loader S et al. Genet. Test., 1998;2:75-7). Functional analyses have shown this pathogenic mutation results in disruption of an ESE motif leading to skipping of coding exon 17 of the BRCA1 gene and that it has a deleterious impact on cell survival in a high throughput genome editing assay (Ambry internal data; Mazoyer S et al. Am. J. Hum. Genet., 1998 Mar;62:713-5; Liu HX et al. Nat. Genet., 2001 Jan;27:55-8; Goina E et al. Mol. Cell. Biol., 2008 Jun;28:3850-60; Findlay GM et al. Nature. 2018 10;562(7726):217-222). Of note, this alteration is also designated as 5199G>T in published literature. In addition to the clinical data presented in the literature, this alteration is expected to result in loss of function by premature protein truncation or nonsense-mediated mRNA decay. As such, this alteration is interpreted as a disease-causing mutation.

Labcorp Genetics (formerly Invitae), Labcorp
Classification: Pathogenic for Hereditary breast ovarian cancer syndrome. Last evaluated: 2025-04-23. Review status: criteria provided, single submitter. Criteria: Invitae Variant Classification Sherloc (09022015). Collection method: clinical testing. Allele origin: germline. Not counted in ClinVar's aggregate classification.
Comment: This sequence change creates a premature translational stop signal (p.Glu1694*) in the BRCA1 gene. RNA analysis indicates that this premature translational stop signal induces altered splicing and likely results in a shortened protein product. This variant is present in population databases (rs80356896, gnomAD 0.0009%). This premature translational stop signal has been observed in individual(s) with breast and/or ovarian cancer (PMID: 9333265, 9497265). This variant is also known as 5199G>T. ClinVar contains an entry for this variant (Variation ID: 55387). Studies have shown that this premature translational stop signal results in skipping of exon 17, but is expected to preserve the integrity of the reading-frame (PMID: 11137998). This variant disrupts a region of the BRCA1 protein in which other variant(s) (p.Asp1692_Phe1717del) have been determined to be pathogenic (PMID: 9497265). This suggests that this is a clinically significant region of the protein, and that variants that disrupt it are likely to be disease-causing. For these reasons, this variant has been classified as Pathogenic.

Women's Health and Genetics/Laboratory Corporation of America, LabCorp
Classification: Pathogenic for Hereditary breast ovarian cancer syndrome. Last evaluated: 2024-10-28. Review status: criteria provided, single submitter. Criteria: LabCorp Variant Classification Summary - May 2015. Collection method: clinical testing. Allele origin: germline. Not counted in ClinVar's aggregate classification.
Comment: Variant summary: BRCA1 c.5080G>T (p.Glu1694X) results in a premature termination codon, predicted to cause a truncation of the encoded protein or absence of the protein due to nonsense mediated decay, which are commonly known mechanisms for disease. Publications report experimental evidence that this variant affects mRNA splicing and results in the in-frame skipping of exon 18 (also referred to as exon 17 in the literature; e.g. Mazoyer_1998, Liu_2001), an exon in which multiple variants have been classified as pathogenic by our laboratory and others in ClinVar, supporting the critical relevance of this region to BRCA1 function. The variant allele was found at a frequency of 4e-06 in 251136 control chromosomes. c.5080G>T has been reported in the literature in multiple individuals/families affected with Hereditary Breast And Ovarian Cancer Syndrome (eg. Mazoyer_1998, Loader_1998a, Loader_1998b, Judkins_2005, Kim_2012). These data indicate that the variant is very likely to be associated with disease. The following publications have been ascertained in the context of this evaluation (PMID: 11137998, 16267036, 10464609, 22798144, 9333265, 10464601, 25863477, 9497265). ClinVar contains an entry for this variant (Variation ID: 55387). Based on the evidence outlined above, the variant was classified as pathogenic.

Baylor Genetics
Classification: Pathogenic for Breast-ovarian cancer, familial, susceptibility to, 1. Last evaluated: 2023-02-07. Review status: criteria provided, single submitter. Criteria: ACMG Guidelines, 2015. Collection method: clinical testing. Allele origin: unknown. Not counted in ClinVar's aggregate classification.

Quest Diagnostics Nichols Institute San Juan Capistrano
Classification: Pathogenic. Last evaluated: 2022-11-29. Review status: criteria provided, single submitter. Criteria: Quest Diagnostics criteria. Collection method: clinical testing. Allele origin: unknown. Not counted in ClinVar's aggregate classification.
Comment: This nonsense variant causes the premature termination of BRCA1 protein synthesis. The frequency of this variant in the general population, 0.000004 (1/251136 chromosomes), is consistent with pathogenicity. In the published literature, the variant has been reported in individuals with a personal and/or family history of breast and/or ovarian cancer (PMIDs: 28111427 (2017), 29020732 (2018), 29446198 (2018), 30207098 (2018), 31825140 (2019), 32019277 (2020), 32455662 (2020), and 33471991 (2021) see also LOVD). The variant is found to impact splicing by skipping exon 18 and creating an in-frame deletion within the highly conserved BRCT1 domain (PMIDs: 9497265 (1998) and 18391021 (2008)). Based on the available information, this variant is classified as pathogenic.

Revvity Omics, Revvity
Classification: Pathogenic. Last evaluated: 2022-08-19. Review status: criteria provided, single submitter. Criteria: ACMG Guidelines, 2015. Collection method: clinical testing. Allele origin: germline. Not counted in ClinVar's aggregate classification.

NM_007294.4(BRCA1):c.5080G>T (p.Glu1694Ter)

Gene: BRCA1 (BRCA1 DNA repair associated; minus strand). Cytogenetic location: 17q21.31.
Variant type: single nucleotide variant.
Coding change: c.5080G>T on transcript NM_007294.4 (MANE Select); coding-DNA position 5080, G replaced by T.
Protein change: p.Glu1694Ter; replaces glutamic acid 1694 with a stop codon.
Molecular consequence: nonsense. On other transcripts: non-coding transcript variant (1).
Genome position (GRCh38, 1-based): chr17:43,063,946, C>A on the plus strand (G>T on the coding strand, the complement: BRCA1 is on the minus strand). VCF-style: chr17-43063946-C-A. GRCh37 (hg19) VCF-style: chr17-41215963-C-A.
Other names: c.1645G>T, p.Glu549Ter (NM_001408438.1, NM_001408439.1, NM_001408440.1 and 10 more transcripts); c.1630G>T, p.Glu544Ter (NM_001408453.1, NM_001408454.1, NM_001408455.1 and 3 more transcripts); c.1627G>T, p.Glu543Ter (NM_001408458.1, NM_001408459.1, NM_001408460.1 and 7 more transcripts); c.1765G>T, p.Glu589Ter (NM_001408473.1, NM_001408392.1, NM_001408396.1 and 8 more transcripts); c.1570G>T, p.Glu524Ter (NM_001408474.1); c.1567G>T, p.Glu523Ter (NM_001408475.1, NM_001408476.1); c.1561G>T, p.Glu521Ter (NM_001408478.1, NM_001408479.1, NM_001408480.1); c.1558G>T, p.Glu520Ter (NM_001408481.1, NM_001408482.1, NM_001408483.1 and 5 more transcripts); and 71 more; short protein forms E1694*, E1715*, E590*, E1647*, E1525*, E1566*, E1567*, E1627*.
Identifiers: ClinVar variation 55387 (VCV000055387.73), dbSNP rs80356896, ClinGen allele CA003221.